The following is an entry in ClinVar:

ClinVar aggregate classification (germline): Uncertain significance (1 of 4 stars; one submission).

gnomAD v4.1: 1 of 1,614,130 alleles (0.000062%); highest among the groups gnomAD compares: Non-Finnish European, 0.000085%; no homozygotes.

Submission:

GeneDx
Classification: Uncertain significance. Last evaluated: 2025-01-22. Review status: criteria provided, single submitter. Criteria: GeneDx Variant Classification Process June 2021. Collection method: clinical testing. Allele origin: germline. Affected: yes.
Comment: Not observed at significant frequency in large population cohorts (gnomAD); In silico analysis supports that this missense variant has a deleterious effect on protein structure/function; Has not been previously published as pathogenic or benign to our knowledge

NM_004991.4(MECOM):c.1190T>C (p.Met397Thr)

Gene: MECOM (MDS1 and EVI1 complex locus; minus strand). Cytogenetic location: 3q26.2.
Variant type: single nucleotide variant.
Coding change: c.1190T>C on transcript NM_004991.4 (MANE Select); coding-DNA position 1190, T replaced by C.
Protein change: p.Met397Thr; replaces methionine 397 with threonine.
Molecular consequence: missense variant. On other transcripts: intron variant (2).
Genome position (GRCh38, 1-based): chr3:169,116,682, A>G on the plus strand (T>C on the coding strand, the complement: MECOM is on the minus strand). VCF-style: chr3-169116682-A-G. GRCh37 (hg19) VCF-style: chr3-168834470-A-G.
Other names: c.821T>C, p.Met274Thr (NM_001105077.4); c.626T>C, p.Met209Thr (NM_001105078.4, NM_001164000.2, NM_001205194.2 and 4 more transcripts); c.629T>C, p.Met210Thr (NM_001163999.2, NM_001366467.2, NM_001366468.2 and 1 more transcripts); c.1190T>C, p.Met397Thr (NM_001366466.2); c.1133-915T>C (NM_001366473.2); c.569-915T>C (NM_001366474.2); short protein forms M209T, M210T, M274T, M397T.
Identifiers: ClinVar variation 4071832 (VCV004071832.1).
Genomic context (GRCh38, chr3:169,116,682, plus strand): 5'-GTAGTGCTGAACATTTGTCCACAGTCTTTGCACTTGATTTGGGTTCTGCAATCAGCATGC[A>G]TGCGCTTATGACGGCAAAGGTTTGAAAACTGAGTATAGGATTTATGGCAGACCTCACCTG-3'
Protein context (NP_004982.2, residues 387-407): QFSNLCRHKR[Met397Thr]HADCRTQIKC